The following is an entry in ClinVar:

ClinVar aggregate classification (germline): Conflicting classifications of pathogenicity. Review status: criteria provided, conflicting classifications (1 of 4 stars). 25 submissions from 21 submitters: Uncertain significance (3); Benign (12); Likely benign (4). 6 of the submissions do not count toward it. Last evaluated 2026-09-01.

Conditions:
Dilated cardiomyopathy 1G (CMD1G). Identifiers: Orphanet 154, MedGen C1858763, MONDO:0011400, OMIM 604145.
Autosomal recessive limb-girdle muscular dystrophy type 2J (LGMDR10). Also called: MUSCULAR DYSTROPHY, LIMB-GIRDLE, AUTOSOMAL RECESSIVE 10; Limb-girdle muscular dystrophy, type 2J. Identifiers: Orphanet 140922, MedGen C1837342, MONDO:0012127, OMIM 608807.
Cardiovascular phenotype. Identifiers: MedGen CN230736.
Cardiomyopathy (CMYO). Also called: Cardiomyopathies. Identifiers: Orphanet 167848, MedGen C0878544, MONDO:0004994, HP:0001638. Inheritance: Various modes of inheritance.
Early-onset myopathy with fatal cardiomyopathy (CMYO5). Also called: CONGENITAL MYOPATHY 5 WITH CARDIOMYOPATHY; Salih Myopathy. Identifiers: Orphanet 289377, MedGen C2673677, MONDO:0012714, OMIM 611705. Disease mechanism: loss of function.
Myopathy, myofibrillar, 9, with early respiratory failure (MFM9). Also called: Myopathy, distal, with early respiratory failure, autosomal dominant; Hereditary myopathy with early respiratory failure; MYOPATHY, PROXIMAL, WITH EARLY RESPIRATORY MUSCLE INVOLVEMENT; EDSTROM MYOPATHY. Identifiers: Orphanet 178464, Orphanet 34521, MedGen C1863599, MONDO:0011362, OMIM 603689.
Tibial muscular dystrophy (TMD). Also called: Udd Distal Myopathy – Tibial Muscular Dystrophy; Tibial muscular dystrophy, tardive; UDD MYOPATHY. Identifiers: Orphanet 609, MedGen C1838244, MONDO:0010870, OMIM 600334.

Allele frequency attached by ClinVar (database versions not stated): ESP Exome Variant Server 0.00304; gnomAD exomes 0.00326 and 0.00294; 1000 Genomes Project 0.00120; gnomAD 0.00244 and 0.00247; TOPMed 0.00270; 1000 Genomes Project 30x 0.00125; ExAC 0.00351.
gnomAD v4.1: 5,128 of 1,613,398 alleles (0.32%); highest among the groups gnomAD compares: Middle Eastern, 0.54%; 11 homozygotes.

Submissions (25):

CeGaT Center for Human Genetics Tuebingen
Classification: Likely benign. Last evaluated: 2026-09-01. Review status: criteria provided, single submitter. Criteria: CeGaT Center For Human Genetics Tuebingen Variant Classification Criteria Version 2. Collection method: clinical testing. Allele origin: germline. Affected: yes. Observed: 69 variant alleles.
Comment: TTN: BP4, BP7

Labcorp Genetics (formerly Invitae), Labcorp
Classification: Benign for Dilated cardiomyopathy 1G; Autosomal recessive limb-girdle muscular dystrophy type 2J. Last evaluated: 2026-02-03. Review status: criteria provided, single submitter. Criteria: Invitae Variant Classification Sherloc (09022015). Collection method: clinical testing. Allele origin: germline.

Athena Diagnostics
Classification: Benign. Last evaluated: 2025-09-10. Review status: criteria provided, single submitter. Criteria: Athena Diagnostics Criteria. Collection method: clinical testing. Allele origin: unknown.
Comment: The frequency of this variant in the general population is higher than would generally be expected for pathogenic variants in this gene. Computational tools yielded predictions that this variant is unlikely to have an effect on normal RNA splicing. This nucleotide position exhibits low evolutionary conservation.

Molecular Diagnostic Laboratory for Inherited Cardiovascular Disease, Montreal Heart Institute
Classification: Benign. Last evaluated: 2025-04-09. Review status: criteria provided, single submitter. Criteria: ACMG Guidelines, 2015. Collection method: clinical testing. Allele origin: germline. Affected: no.

Blueprint Genetics
Classification: Likely benign. Last evaluated: 2024-11-26. Review status: criteria provided, single submitter. Criteria: ACMG Guidelines, 2015. Collection method: clinical testing. Allele origin: germline.

ARUP Laboratories, Molecular Genetics and Genomics, ARUP Laboratories
Classification: Benign. Last evaluated: 2024-09-12. Review status: criteria provided, single submitter. Criteria: ARUP Molecular Germline Variant Investigation Process 2024. Collection method: clinical testing. Allele origin: germline.

Mayo Clinic Laboratories, Mayo Clinic
Classification: Benign. Last evaluated: 2024-09-05. Review status: criteria provided, single submitter. Criteria: ACMG Guidelines, 2015. Collection method: clinical testing. Allele origin: germline. Observed: 16 variant alleles.
Comment: BS1, BS2, BP4, BP7

Women's Health and Genetics/Laboratory Corporation of America, LabCorp
Classification: Benign. Last evaluated: 2022-01-02. Review status: criteria provided, single submitter. Criteria: LabCorp Variant Classification Summary - May 2015. Collection method: clinical testing. Allele origin: germline.

Illumina Laboratory Services, Illumina
Classification: Benign for Tibial muscular dystrophy. Last evaluated: 2018-01-12. Review status: criteria provided, single submitter. Criteria: ICSL Variant Classification Criteria 13 December 2019. Collection method: clinical testing. Allele origin: germline.
Comment: This variant was observed in the ICSL laboratory as part of a predisposition screen in an ostensibly healthy population. It had not been previously curated by ICSL or reported in the Human Gene Mutation Database (HGMD: prior to June 1st, 2018), and was therefore a candidate for classification through an automated scoring system. Utilizing variant allele frequency, disease prevalence and penetrance estimates, and inheritance mode, an automated score was calculated to assess if this variant is too frequent to cause the disease. Based on the score and internal cut-off values, a variant classified as benign is not then subjected to further curation. The score for this variant resulted in a classification of benign for this disease.

Illumina Laboratory Services, Illumina
Classification: Uncertain significance for Early-onset myopathy with fatal cardiomyopathy. Last evaluated: 2018-01-12. Review status: criteria provided, single submitter. Criteria: ICSL Variant Classification Criteria 13 December 2019. Collection method: clinical testing. Allele origin: germline.

Illumina Laboratory Services, Illumina
Classification: Benign for Myopathy, myofibrillar, 9, with early respiratory failure. Last evaluated: 2018-01-12. Review status: criteria provided, single submitter. Criteria: ICSL Variant Classification Criteria 13 December 2019. Collection method: clinical testing. Allele origin: germline.
Comment: the same text as in the submission from Illumina Laboratory Services, Illumina above.

Illumina Laboratory Services, Illumina
Classification: Uncertain significance for Dilated cardiomyopathy 1G. Last evaluated: 2018-01-12. Review status: criteria provided, single submitter. Criteria: ICSL Variant Classification Criteria 13 December 2019. Collection method: clinical testing. Allele origin: germline.

Illumina Laboratory Services, Illumina
Classification: Uncertain significance for Autosomal recessive limb-girdle muscular dystrophy type 2J. Last evaluated: 2018-01-12. Review status: criteria provided, single submitter. Criteria: ICSL Variant Classification Criteria 13 December 2019. Collection method: clinical testing. Allele origin: germline.

CHEO Genetics Diagnostic Laboratory, Children's Hospital of Eastern Ontario
Classification: Benign for Cardiomyopathy. Last evaluated: 2017-07-14. Review status: criteria provided, single submitter. Criteria: ACMG Guidelines, 2015. Collection method: clinical testing. Allele origin: germline. Study: Canadian Open Genetics Repository.

Genetic Services Laboratory, University of Chicago
Classification: Likely benign. Last evaluated: 2016-04-27. Review status: criteria provided, single submitter. Criteria: ACMG Guidelines, 2015. Collection method: clinical testing. Allele origin: germline. Affected: no.

Eurofins Ntd Llc (ga)
Classification: Benign. Last evaluated: 2016-04-20. Review status: criteria provided, single submitter. Criteria: EGL Classification Definitions 2015. Collection method: clinical testing. Allele origin: germline. Observed: 2 variant alleles, 2 heterozygotes.

GeneDx
Classification: Benign. Last evaluated: 2014-09-08. Review status: criteria provided, single submitter. Criteria: GeneDx Variant Classification (06012015). Collection method: clinical testing. Allele origin: germline. Affected: yes.
Comment: This variant is considered likely benign or benign based on one or more of the following criteria: it is a conservative change, it occurs at a poorly conserved position in the protein, it is predicted to be benign by multiple in silico algorithms, and/or has population frequency not consistent with disease.

Ambry Genetics
Classification: Likely benign for Cardiovascular phenotype. Last evaluated: 2013-03-13. Review status: criteria provided, single submitter. Criteria: Ambry Autosomal Dominant and X-Linked criteria (10/2015). Collection method: clinical testing. Allele origin: germline. Observed: 1 variant allele.

Laboratory for Molecular Medicine, Mass General Brigham Personalized Medicine
Classification: Benign. Last evaluated: 2012-04-13. Review status: criteria provided, single submitter. Criteria: LMM Criteria. Collection method: clinical testing. Allele origin: germline. Observed: 12 variant alleles.
Comment: p.Gly11133Gly in Exon 174 of TTN: This variant is not expected to have clinical significance because it does not alter an amino acid residue, is not located wit hin the splice consensus sequence and has been identified in 0.5% (34/6710) of E uropean American chromosomes from a broad population by the NHLBI Exome Sequenci ng Project (dbSNP rs72650077).

Clinical Genetics DNA and cytogenetics Diagnostics Lab, Erasmus MC, Erasmus Medical Center
Classification: Benign. Review status: no assertion criteria provided. Collection method: clinical testing. Allele origin: germline. Affected: yes. Study: VKGL Data-share Consensus. Not counted in ClinVar's aggregate classification.

Clinical Genetics, Academic Medical Center
Classification: Benign. Review status: no assertion criteria provided. Collection method: clinical testing. Allele origin: germline. Affected: yes. Study: VKGL Data-share Consensus. Not counted in ClinVar's aggregate classification.

Diagnostic Laboratory, Department of Genetics, University Medical Center Groningen
Classification: Likely benign. Review status: no assertion criteria provided. Collection method: clinical testing. Allele origin: germline. Affected: yes. Study: VKGL Data-share Consensus. Not counted in ClinVar's aggregate classification.

Genome Diagnostics Laboratory, University Medical Center Utrecht
Classification: Benign. Review status: no assertion criteria provided. Collection method: clinical testing. Allele origin: germline. Affected: yes. Study: VKGL Data-share Consensus. Not counted in ClinVar's aggregate classification.

Joint Genome Diagnostic Labs from Nijmegen and Maastricht, Radboudumc and MUMC+
Classification: Benign. Review status: no assertion criteria provided. Collection method: clinical testing. Allele origin: germline. Affected: yes. Study: VKGL Data-share Consensus. Not counted in ClinVar's aggregate classification.

Laboratory of Diagnostic Genome Analysis, Leiden University Medical Center (LUMC)
Classification: Benign. Review status: no assertion criteria provided. Collection method: clinical testing. Allele origin: germline. Affected: yes. Study: VKGL Data-share Consensus. Not counted in ClinVar's aggregate classification.

NM_001267550.2(TTN):c.41103C>T (p.Gly13701=)

Gene: TTN (titin; minus strand). Cytogenetic location: 2q31.2.
Variant type: single nucleotide variant.
Coding change: c.41103C>T on transcript NM_001267550.2 (MANE Select); coding-DNA position 41103, C replaced by T.
Protein change: p.Gly13701=; no amino-acid change (glycine 13701 retained).
Molecular consequence: synonymous variant.
Genome position (GRCh38, 1-based): chr2:178,636,624, G>A on the plus strand (C>T on the coding strand, the complement: TTN is on the minus strand). VCF-style: chr2-178636624-G-A. GRCh37 (hg19) VCF-style: chr2-179501351-G-A.
Other names: p.G12060G:GGC>GGT; p.Gly11133=; c.36180C>T, p.Gly12060= (NM_001256850.1); c.13908C>T, p.Gly4636= (NM_003319.4); c.33399C>T, p.Gly11133= (NM_133378.4); c.14283C>T, p.Gly4761= (NM_133432.3); c.14484C>T, p.Gly4828= (NM_133437.4).
Identifiers: ClinVar variation 46943 (VCV000046943.84), dbSNP rs72650077, ClinGen allele CA283198.